The following is an entry in ClinVar:

NM_001081.4(CUBN):c.6435T>C (p.Ser2145=)

Gene: CUBN (cubilin; minus strand). Cytogenetic location: 10p13.
Variant type: single nucleotide variant.
Coding change: c.6435T>C on transcript NM_001081.4 (MANE Select); coding-DNA position 6435, T replaced by C.
Protein change: p.Ser2145=; no amino-acid change (serine 2145 retained).
Molecular consequence: synonymous variant.
Genome position (GRCh38, 1-based): chr10:16,925,611, A>G on the plus strand (T>C on the coding strand, the complement: CUBN is on the minus strand). VCF-style: chr10-16925611-A-G. GRCh37 (hg19) VCF-style: chr10-16967610-A-G.
Identifiers: ClinVar variation 3040926 (VCV003040926.2), dbSNP rs568334463, ClinGen allele CA5423693.

ClinVar aggregate classification (germline): Likely benign (0 of 4 stars; one submission).

Conditions:
CUBN-related disorder. Also called: CUBN-related condition.

Allele frequency attached by ClinVar (database versions not stated): ExAC 0.00002; gnomAD 0.00002; 1000 Genomes Project 30x 0.00047; 1000 Genomes Project 0.00060.
gnomAD v4.1: 3 of 1,614,070 alleles (0.00019%); highest among the groups gnomAD compares: African/African-American, 0.004%; no homozygotes.

Submission:

PreventionGenetics, part of Exact Sciences
Classification: Likely benign for CUBN-related condition. Last evaluated: 2019-09-17. Review status: no assertion criteria provided. Collection method: clinical testing. Allele origin: germline.
Comment: This variant is classified as likely benign based on ACMG/AMP sequence variant interpretation guidelines (Richards et al. 2015 PMID: 25741868, with internal and published modifications).